The following is an entry in ClinVar:

NM_001375808.2(LPIN2):c.2400G>A (p.Pro800=)

Gene: LPIN2 (lipin 2; minus strand). Cytogenetic location: 18p11.31.
Variant type: single nucleotide variant.
Coding change: c.2400G>A on transcript NM_001375808.2 (MANE Select); coding-DNA position 2400, G replaced by A.
Protein change: p.Pro800=; no amino-acid change (proline 800 retained).
Molecular consequence: synonymous variant.
Genome position (GRCh38, 1-based): chr18:2,921,575, C>T on the plus strand (G>A on the coding strand, the complement: LPIN2 is on the minus strand). VCF-style: chr18-2921575-C-T. GRCh37 (hg19) VCF-style: chr18-2921573-C-T.
Other names: c.2400G>A, p.Pro800= (NM_001375809.1, NM_014646.2).
Identifiers: ClinVar variation 385598 (VCV000385598.10), dbSNP rs747097533, ClinGen allele CA8872739.

ClinVar aggregate classification (germline): Likely benign. Review status: criteria provided, multiple submitters, no conflicts (2 of 4 stars). 2 submissions from 2 submitters: Likely benign (2). Last evaluated 2025-03-30.

Conditions:
Majeed syndrome (MJDS). Also called: CHRONIC RECURRENT MULTIFOCAL OSTEOMYELITIS 1, WITH CONGENITAL DYSERYTHROPOIETIC ANEMIA, WITH OR WITHOUT NEUTROPHILIC DERMATOSIS; LPIN2-Related Majeed Syndrome. Identifiers: Orphanet 77297, MedGen C1864997, MONDO:0012316, OMIM 609628.

gnomAD v4.1: 29 of 1,614,154 alleles (0.0018%); highest among the groups gnomAD compares: East Asian, 0.016%; no homozygotes.

Submissions (2):

Labcorp Genetics (formerly Invitae), Labcorp
Classification: Likely benign for Majeed syndrome. Last evaluated: 2025-03-30. Review status: criteria provided, single submitter. Criteria: Invitae Variant Classification Sherloc (09022015). Collection method: clinical testing. Allele origin: germline.

GeneDx
Classification: Likely benign. Last evaluated: 2016-04-13. Review status: criteria provided, single submitter. Criteria: GeneDx Variant Classification (06012015). Collection method: clinical testing. Allele origin: germline. Affected: yes.
Comment: This variant is considered likely benign or benign based on one or more of the following criteria: it is a conservative change, it occurs at a poorly conserved position in the protein, it is predicted to be benign by multiple in silico algorithms, and/or has population frequency not consistent with disease.